The following is an entry in ClinVar:

ClinVar aggregate classification (germline): Uncertain significance (1 of 4 stars; one submission).

Submission:

Labcorp Genetics (formerly Invitae), Labcorp
Classification: Uncertain significance. Last evaluated: 2021-12-09. Review status: criteria provided, single submitter. Criteria: Invitae Variant Classification Sherloc (09022015). Collection method: clinical testing. Allele origin: germline.
Comment: A gross deletion of the genomic region encompassing the full coding sequence of the YWHAG gene has been identified. The current clinical and genetic evidence is not sufficient to establish whether loss-of-function variants in YWHAG cause disease. The boundaries of this event are unknown as they extend beyond the assayed region for this gene and therefore may encompass additional genes. Isolated whole-gene deletions of YWHAG have not been reported in the literature. However, larger copy number events that include this gene have been reported (PMID: 21109226). In summary, the available evidence is currently insufficient to determine the role of this variant in disease. Therefore, it has been classified as a Variant of Uncertain Significance.

Literature cited by the submitters: PubMed 21109226.

NC_000007.13:g.(?_75914933)_(76029908_?)del

Genes: HSPB1 (heat shock protein family B (small) member 1; plus strand), SRRM3 (serine/arginine repetitive matrix 3; plus strand), SSC4D (scavenger receptor cysteine rich family member with 4 domains; minus strand), YWHAG (tyrosine 3-monooxygenase/tryptophan 5-monooxygenase activation protein gamma; minus strand), ZP3 (zona pellucida glycoprotein 3; plus strand). Cytogenetic location: 7q11.23.
Variant type: Deletion.
Identifiers: ClinVar variation 831245 (VCV000831245.2).